The following is an entry in ClinVar:

ClinVar aggregate classification (germline): Uncertain significance. Review status: criteria provided, multiple submitters, no conflicts (2 of 4 stars). 2 submissions from 2 submitters: Uncertain significance (2). Last evaluated 2024-08-06.

Conditions:
Hereditary cancer-predisposing syndrome. Also called: Tumor predisposition; Hereditary Cancer Syndrome; Hereditary neoplastic syndrome; Neoplastic Syndromes, Hereditary. Identifiers: Orphanet 140162, MedGen C0027672, MeSH D009386, MONDO:0015356.
Familial adenomatous polyposis 1 (FAP1). Also called: FAMILIAL ADENOMATOUS POLYPOSIS 1, ATTENUATED; POLYPOSIS, ADENOMATOUS INTESTINAL. Identifiers: MedGen C2713442, MONDO:0021056, OMIM 175100. Disease mechanism: loss of function.

Submissions (2):

Ambry Genetics
Classification: Uncertain significance for Hereditary cancer-predisposing syndrome. Last evaluated: 2024-08-06. Review status: criteria provided, single submitter. Criteria: Ambry Variant Classification Scheme 2023. Collection method: clinical testing. Allele origin: germline.
Comment: The p.S2477F variant (also known as c.7430C>T), located in coding exon 15 of the APC gene, results from a C to T substitution at nucleotide position 7430. The serine at codon 2477 is replaced by phenylalanine, an amino acid with highly dissimilar properties. This amino acid position is well conserved in available vertebrate species. Based on the available evidence, the clinical significance of this variant remains unclear.

Labcorp Genetics (formerly Invitae), Labcorp
Classification: Uncertain significance for Familial adenomatous polyposis 1. Last evaluated: 2024-04-24. Review status: criteria provided, single submitter. Criteria: Invitae Variant Classification Sherloc (09022015). Collection method: clinical testing. Allele origin: germline.
Comment: This sequence change replaces serine, which is neutral and polar, with phenylalanine, which is neutral and non-polar, at codon 2477 of the APC protein (p.Ser2477Phe). This variant is not present in population databases (gnomAD no frequency). This variant has not been reported in the literature in individuals affected with APC-related conditions. ClinVar contains an entry for this variant (Variation ID: 1470555). Advanced modeling of protein sequence and biophysical properties (such as structural, functional, and spatial information, amino acid conservation, physicochemical variation, residue mobility, and thermodynamic stability) performed at Invitae indicates that this missense variant is not expected to disrupt APC protein function with a negative predictive value of 95%. In summary, the available evidence is currently insufficient to determine the role of this variant in disease. Therefore, it has been classified as a Variant of Uncertain Significance.

NM_000038.6(APC):c.7430C>T (p.Ser2477Phe)

Gene: APC (APC regulator of Wnt signaling pathway; plus strand). Cytogenetic location: 5q22.2.
Variant type: single nucleotide variant.
Coding change: c.7430C>T on transcript NM_000038.6 (MANE Select); coding-DNA position 7430, C replaced by T.
Protein change: p.Ser2477Phe; replaces serine 2477 with phenylalanine.
Molecular consequence: missense variant.
Genome position (GRCh38, 1-based): chr5:112,843,024, C>T. VCF-style: chr5-112843024-C-T. GRCh37 (hg19) VCF-style: chr5-112178721-C-T.
Other names: c.7430C>T (NM_000038.5); c.7430C>T, p.Ser2477Phe (NM_001127510.3, NM_001354895.2); c.7376C>T, p.Ser2459Phe (NM_001127511.3); c.7484C>T, p.Ser2495Phe (NM_001354896.2); c.7460C>T, p.Ser2487Phe (NM_001354897.2); c.7355C>T, p.Ser2452Phe (NM_001354898.2); c.7346C>T, p.Ser2449Phe (NM_001354899.2); c.7307C>T, p.Ser2436Phe (NM_001354900.2); and 6 more; short protein forms S2376F, S2436F, S2459F, S2194F, S2351F, S2386F, S2477F, S2495F.
Identifiers: ClinVar variation 1470555 (VCV001470555.9), dbSNP rs2149986858, ClinGen allele CA16037502.